The following is an entry in ClinVar:

NM_030787.4(CFHR5):c.1412G>A (p.Gly471Glu)

Gene: CFHR5 (complement factor H related 5; plus strand). Cytogenetic location: 1q31.3.
Variant type: single nucleotide variant.
Coding change: c.1412G>A on transcript NM_030787.4 (MANE Select); coding-DNA position 1412, G replaced by A.
Protein change: p.Gly471Glu; replaces glycine 471 with glutamic acid.
Molecular consequence: missense variant.
Genome position (GRCh38, 1-based): chr1:197,004,742, G>A. VCF-style: chr1-197004742-G-A. GRCh37 (hg19) VCF-style: chr1-196973872-G-A.
Other names: short protein forms G471E.
Identifiers: ClinVar variation 875562 (VCV000875562.23), dbSNP rs144438200, ClinGen allele CA1308074.

ClinVar aggregate classification (germline): Conflicting classifications of pathogenicity. Review status: criteria provided, conflicting classifications (1 of 4 stars). 3 submissions from 3 submitters: Uncertain significance (1); Likely benign (2). Last evaluated 2025-07-21.

Conditions:
CFH-Related Dense Deposit Disease / Membranoproliferative Glomerulonephritis Type II. Identifiers: MedGen CN071292.

Allele frequency attached by ClinVar (database versions not stated): 1000 Genomes Project 0.00040; 1000 Genomes Project 30x 0.00047; gnomAD 0.00062 and 0.00066; TOPMed 0.00070; ExAC 0.00052; gnomAD exomes 0.00062 and 0.00106; ESP Exome Variant Server 0.00069.
gnomAD v4.1: 1,634 of 1,612,836 alleles (0.1%); highest among the groups gnomAD compares: Non-Finnish European, 0.13%; 2 homozygotes.

Submissions (3):

Mayo Clinic Laboratories, Mayo Clinic
Classification: Likely benign. Last evaluated: 2025-07-21. Review status: criteria provided, single submitter. Criteria: ACMG Guidelines, 2015. Collection method: clinical testing. Allele origin: germline. Observed: 4 variant alleles.
Comment: BP1, BP4_moderate

Labcorp Genetics (formerly Invitae), Labcorp
Classification: Likely benign. Last evaluated: 2025-04-17. Review status: criteria provided, single submitter. Criteria: Invitae Variant Classification Sherloc (09022015). Collection method: clinical testing. Allele origin: germline.

Illumina Laboratory Services, Illumina
Classification: Uncertain significance for Membranoproliferative glomerulonephritis with complement factor h deficiency. Last evaluated: 2017-04-27. Review status: criteria provided, single submitter. Criteria: ICSL Variant Classification Criteria 13 December 2019. Collection method: clinical testing. Allele origin: germline.

Literature cited by the submitters: PubMed 29148534 (cited by Mayo Clinic Laboratories, Mayo Clinic).